The following is an entry in ClinVar:

ClinVar aggregate classification (germline): Uncertain significance (0 of 4 stars; one submission).

Conditions:
CACNA1I-related disorder. Also called: CACNA1I-related condition.

Allele frequency attached by ClinVar (database versions not stated): gnomAD 0.00001; gnomAD exomes 0.00001; TOPMed 0.00002.
gnomAD v4.1: 18 of 1,527,198 alleles (0.0012%); highest among the groups gnomAD compares: South Asian, 0.0036%; no homozygotes.

Submission:

PreventionGenetics, part of Exact Sciences
Classification: Uncertain significance for CACNA1I-related condition. Last evaluated: 2024-02-27. Review status: no assertion criteria provided. Collection method: clinical testing. Allele origin: germline.
Comment: The CACNA1I c.3086C>T variant is predicted to result in the amino acid substitution p.Ala1029Val. To our knowledge, this variant has not been reported in the literature. This variant is reported in 0.0050% of alleles in individuals of European (Non-Finnish) descent in gnomAD. At this time, the clinical significance of this variant is uncertain due to the absence of conclusive functional and genetic evidence.

NM_021096.4(CACNA1I):c.3086C>T (p.Ala1029Val)

Gene: CACNA1I (calcium voltage-gated channel subunit alpha1 I; plus strand). Cytogenetic location: 22q13.1.
Variant type: single nucleotide variant.
Coding change: c.3086C>T on transcript NM_021096.4 (MANE Select); coding-DNA position 3086, C replaced by T.
Protein change: p.Ala1029Val; replaces alanine 1029 with valine.
Molecular consequence: missense variant.
Genome position (GRCh38, 1-based): chr22:39,662,149, C>T. VCF-style: chr22-39662149-C-T. GRCh37 (hg19) VCF-style: chr22-40058154-C-T.
Other names: c.2981C>T, p.Ala994Val (NM_001003406.2); short protein forms A1029V, A994V.
Identifiers: ClinVar variation 3049035 (VCV003049035.2), dbSNP rs1215241270, ClinGen allele CA411656503.